The following is an entry in ClinVar:

NM_001004334.4(GPR179):c.6880T>G (p.Cys2294Gly)

Gene: GPR179 (G protein-coupled receptor 179; minus strand). Cytogenetic location: 17q12.
Variant type: single nucleotide variant.
Coding change: c.6880T>G on transcript NM_001004334.4 (MANE Select); coding-DNA position 6880, T replaced by G.
Protein change: p.Cys2294Gly; replaces cysteine 2294 with glycine.
Molecular consequence: missense variant.
Genome position (GRCh38, 1-based): chr17:38,326,689, A>C on the plus strand (T>G on the coding strand, the complement: GPR179 is on the minus strand). VCF-style: chr17-38326689-A-C. GRCh37 (hg19) VCF-style: chr17-36482572-A-C.
Other names: short protein forms C2294G.
Identifiers: ClinVar variation 1060327 (VCV001060327.9), dbSNP rs2144253618, ClinGen allele CA398868031.

ClinVar aggregate classification (germline): Uncertain significance (1 of 4 stars; one submission).

Submission:

Labcorp Genetics (formerly Invitae), Labcorp
Classification: Uncertain significance. Last evaluated: 2022-10-25. Review status: criteria provided, single submitter. Criteria: Invitae Variant Classification Sherloc (09022015). Collection method: clinical testing. Allele origin: germline.
Comment: This sequence change replaces cysteine, which is neutral and slightly polar, with glycine, which is neutral and non-polar, at codon 2294 of the GPR179 protein (p.Cys2294Gly). This variant is not present in population databases (gnomAD no frequency). This variant has not been reported in the literature in individuals affected with GPR179-related conditions. ClinVar contains an entry for this variant (Variation ID: 1060327). Algorithms developed to predict the effect of missense changes on protein structure and function (SIFT, PolyPhen-2, Align-GVGD) all suggest that this variant is likely to be tolerated. In summary, the available evidence is currently insufficient to determine the role of this variant in disease. Therefore, it has been classified as a Variant of Uncertain Significance.